The following is an entry in ClinVar:

NM_015046.7(SETX):c.6793T>C (p.Cys2265Arg)

Gene: SETX (senataxin; minus strand). Cytogenetic location: 9q34.13.
Variant type: single nucleotide variant.
Coding change: c.6793T>C on transcript NM_015046.7 (MANE Select); coding-DNA position 6793, T replaced by C.
Protein change: p.Cys2265Arg; replaces cysteine 2265 with arginine.
Molecular consequence: missense variant.
Genome position (GRCh38, 1-based): chr9:132,278,119, A>G on the plus strand (T>C on the coding strand, the complement: SETX is on the minus strand). VCF-style: chr9-132278119-A-G. GRCh37 (hg19) VCF-style: chr9-135153506-A-G.
Other names: c.6793T>C, p.Cys2265Arg (NM_001351527.2, NM_001351528.2); short protein forms C2265R.
Identifiers: ClinVar variation 4682390 (VCV004682390.2).

ClinVar aggregate classification (germline): Uncertain significance. Review status: criteria provided, multiple submitters, no conflicts (2 of 4 stars). 2 submissions from 2 submitters: Uncertain significance (2). Last evaluated 2025-06-30.

Conditions:
Spinocerebellar ataxia, autosomal recessive, with axonal neuropathy 2 (SCAN2). Also called: ATAXIA-OCULOMOTOR APRAXIA 2; Ataxia-ocular apraxia-2; Ataxia with Oculomotor Apraxia; Ataxia with Oculomotor Apraxia Type 2. Identifiers: Orphanet 64753, MedGen C1853761, MONDO:0018996, OMIM 606002.
Amyotrophic lateral sclerosis type 4 (ALS4). Also called: AMYOTROPHIC LATERAL SCLEROSIS 4, JUVENILE; NEURONOPATHY, DISTAL HEREDITARY MOTOR, WITH PYRAMIDAL FEATURES. Identifiers: Orphanet 357043, MedGen C1865409, MONDO:0011223, OMIM 602433.

gnomAD v4.1: 3 of 1,614,150 alleles (0.00019%); highest among the groups gnomAD compares: Non-Finnish European, 0.00025%; no homozygotes.

Submissions (2):

Athena Diagnostics
Classification: Uncertain significance. Last evaluated: 2025-06-30. Review status: criteria provided, single submitter. Criteria: Athena Diagnostics Criteria. Collection method: clinical testing. Allele origin: unknown.
Comment: Available data are insufficient to determine the clinical significance of the variant at this time. This variant has not been reported in large, multi-ethnic general populations. Computational tools predict that this variant is not damaging.

Labcorp Genetics (formerly Invitae), Labcorp
Classification: Uncertain significance for Amyotrophic lateral sclerosis type 4; Spinocerebellar ataxia, autosomal recessive, with axonal neuropathy 2. Last evaluated: 2025-04-17. Review status: criteria provided, single submitter. Criteria: Invitae Variant Classification Sherloc (09022015). Collection method: clinical testing. Allele origin: germline.
Comment: This sequence change replaces cysteine, which is neutral and slightly polar, with arginine, which is basic and polar, at codon 2265 of the SETX protein (p.Cys2265Arg). This variant is not present in population databases (gnomAD no frequency). This variant has not been reported in the literature in individuals affected with SETX-related conditions. Invitae Evidence Modeling of protein sequence and biophysical properties (such as structural, functional, and spatial information, amino acid conservation, physicochemical variation, residue mobility, and thermodynamic stability) has been performed for this missense variant. However, the output from this modeling did not meet the statistical confidence thresholds required to predict the impact of this variant on SETX protein function. In summary, the available evidence is currently insufficient to determine the role of this variant in disease. Therefore, it has been classified as a Variant of Uncertain Significance.